The following is an entry in ClinVar:

NM_006070.6(TFG):c.544A>G (p.Met182Val)

Gene: TFG (trafficking from ER to golgi regulator; plus strand). Cytogenetic location: 3q12.2.
Variant type: single nucleotide variant.
Coding change: c.544A>G on transcript NM_006070.6 (MANE Select); coding-DNA position 544, A replaced by G.
Protein change: p.Met182Val; replaces methionine 182 with valine.
Molecular consequence: missense variant.
Genome position (GRCh38, 1-based): chr3:100,732,636, A>G. VCF-style: chr3-100732636-A-G. GRCh37 (hg19) VCF-style: chr3-100451480-A-G.
Other names: c.544A>G, p.Met182Val (NM_001007565.2, NM_001195478.2, NM_001195479.2); short protein forms M182V.
Identifiers: ClinVar variation 1747585 (VCV001747585.2), dbSNP rs755242228, ClinGen allele CA2517102.

ClinVar aggregate classification (germline): Uncertain significance (1 of 4 stars; one submission).

Conditions:
Inborn genetic diseases. Identifiers: MedGen C0950123, MeSH D030342.

Submission:

Ambry Genetics
Classification: Uncertain significance for Inborn genetic diseases. Last evaluated: 2021-05-03. Review status: criteria provided, single submitter. Criteria: Ambry Variant Classification Scheme 2023. Collection method: clinical testing. Allele origin: germline.
Comment: The p.M182V variant (also known as c.544A>G), located in coding exon 4 of the TFG gene, results from an A to G substitution at nucleotide position 544. The methionine at codon 182 is replaced by valine, an amino acid with highly similar properties. This amino acid position is well conserved in available vertebrate species. In addition, this alteration is predicted to be tolerated by in silico analysis. Since supporting evidence is limited at this time, the clinical significance of this alteration remains unclear.